The following is an entry in ClinVar:

NM_018117.12(WDR11):c.1476A>G (p.Thr492=)

Gene: WDR11 (WD repeat domain 11; plus strand). Cytogenetic location: 10q26.12.
Variant type: single nucleotide variant.
Coding change: c.1476A>G on transcript NM_018117.12 (MANE Select); coding-DNA position 1476, A replaced by G.
Protein change: p.Thr492=; no amino-acid change (threonine 492 retained).
Molecular consequence: synonymous variant.
Genome position (GRCh38, 1-based): chr10:120,873,843, A>G. VCF-style: chr10-120873843-A-G. GRCh37 (hg19) VCF-style: chr10-122633355-A-G.
Identifiers: ClinVar variation 3905185 (VCV003905185.10).

ClinVar aggregate classification (germline): Likely benign (1 of 4 stars; one submission).

gnomAD v4.1: 29 of 1,610,538 alleles (0.0018%); highest among the groups gnomAD compares: Non-Finnish European, 0.0025%; no homozygotes.

Submission:

CeGaT Center for Human Genetics Tuebingen
Classification: Likely benign. Last evaluated: 2025-05-01. Review status: criteria provided, single submitter. Criteria: CeGaT Center For Human Genetics Tuebingen Variant Classification Criteria Version 2. Collection method: clinical testing. Allele origin: germline. Affected: yes. Observed: 1 variant allele.
Comment: WDR11: BP4, BP7